The following is an entry in ClinVar:

ClinVar aggregate classification (germline): Uncertain significance (0 of 4 stars; one submission).

Conditions:
SEMA3B-related disorder. Also called: SEMA3B-related condition.

Allele frequency attached by ClinVar (database versions not stated): ExAC 0.00001; gnomAD 0.00003; gnomAD exomes 0.00002; TOPMed 0.00002.
gnomAD v4.1: 38 of 1,613,200 alleles (0.0024%); highest among the groups gnomAD compares: East Asian, 0.016%; no homozygotes.

Submission:

PreventionGenetics, part of Exact Sciences
Classification: Uncertain significance for SEMA3B-related condition. Last evaluated: 2023-11-21. Review status: no assertion criteria provided. Collection method: clinical testing. Allele origin: germline.
Comment: The SEMA3B c.257G>A variant is predicted to result in the amino acid substitution p.Arg86Gln. To our knowledge, this variant has not been reported in the literature. This variant is reported in 0.010% of alleles in individuals of East Asian descent in gnomAD. At this time, the clinical significance of this variant is uncertain due to the absence of conclusive functional and genetic evidence.

NM_001290060.2(SEMA3B):c.257G>A (p.Arg86Gln)

Gene: SEMA3B (semaphorin 3B; plus strand). Cytogenetic location: 3p21.31.
Variant type: single nucleotide variant.
Coding change: c.257G>A on transcript NM_001290060.2 (MANE Select); coding-DNA position 257, G replaced by A.
Protein change: p.Arg86Gln; replaces arginine 86 with glutamine.
Molecular consequence: missense variant.
Genome position (GRCh38, 1-based): chr3:50,270,274, G>A. VCF-style: chr3-50270274-G-A. GRCh37 (hg19) VCF-style: chr3-50307705-G-A.
Other names: c.257G>A, p.Arg86Gln (NM_001005914.3, NM_001290061.1, NM_004636.4); short protein forms R86Q.
Identifiers: ClinVar variation 3056751 (VCV003056751.2), dbSNP rs782687500, ClinGen allele CA2413683.
Genomic context (GRCh38, chr3:50,270,274, plus strand): 5'-GCCTGTTTGTGGGTGCCGAGAACCATGTGGCCTCCCTCAACCTGGACAACATCAGCAAGC[G>A]GGCCAAGAAGGTGCCAGGGACTCCCAACCCCAGCACTCCCCAGGGAAGGAGCCCTGGGAC-3'
Protein context (NP_001276989.1, residues 76-96): ASLNLDNISK[Arg86Gln]AKKLAWPAPV